The following is an entry in ClinVar:

ClinVar aggregate classification (germline): Likely benign. Review status: criteria provided, multiple submitters, no conflicts (2 of 4 stars). 2 submissions from 2 submitters: Likely benign (2). Last evaluated 2026-04-01.

Conditions:
Cystic fibrosis (CF). Also called: MUCOVISCIDOSIS. Identifiers: Orphanet 586, MedGen C0010674, MONDO:0009061, OMIM 219700. Disease mechanism: loss of function.

Submissions (2):

CeGaT Center for Human Genetics Tuebingen
Classification: Likely benign. Last evaluated: 2026-04-01. Review status: criteria provided, single submitter. Criteria: CeGaT Center For Human Genetics Tuebingen Variant Classification Criteria Version 2. Collection method: clinical testing. Allele origin: germline. Affected: yes. Observed: 2 variant alleles.
Comment: CFTR: PM2:Supporting, BP4, BP7

Ambry Genetics
Classification: Likely benign for Cystic fibrosis. Last evaluated: 2020-05-17. Review status: criteria provided, single submitter. Criteria: Ambry Variant Classification Scheme 2023. Collection method: clinical testing. Allele origin: germline.

NM_000492.4(CFTR):c.3618A>T (p.Ser1206=)

Genes: CFTR (CF transmembrane conductance regulator; plus strand), CFTR-AS2 (CFTR antisense RNA 2; minus strand). Cytogenetic location: 7q31.2.
Variant type: single nucleotide variant.
Coding change: c.3618A>T on transcript NM_000492.4 (MANE Select); coding-DNA position 3618, A replaced by T.
Protein change: p.Ser1206=; no amino-acid change (serine 1206 retained).
Molecular consequence: synonymous variant.
Genome position (GRCh38, 1-based): chr7:117,627,671, A>T. VCF-style: chr7-117627671-A-T. GRCh37 (hg19) VCF-style: chr7-117267725-A-T.
Identifiers: ClinVar variation 1733282 (VCV001733282.21), dbSNP rs2485146458, ClinGen allele CA457231427.
Genomic context (GRCh38, chr7:117,627,671, plus strand): 5'-ACTCTCGAAAGTTATGATTATTGAGAATTCACACGTGAAGAAAGATGACATCTGGCCCTC[A>T]GGGGGCCAAATGACTGTCAAAGATCTCACAGCAAAATACACAGAAGGTGGAAATGCCATA-3'
Protein context (NP_000483.3, residues 1196-1216): SHVKKDDIWP[Ser1206=]GGQMTVKDLT